The following is an entry in ClinVar:

NM_000152.5(GAA):c.1288G>A (p.Glu430Lys)

Gene: GAA (alpha glucosidase; plus strand). Cytogenetic location: 17q25.3.
Variant type: single nucleotide variant.
Coding change: c.1288G>A on transcript NM_000152.5 (MANE Select); coding-DNA position 1288, G replaced by A.
Protein change: p.Glu430Lys; replaces glutamic acid 430 with lysine.
Molecular consequence: missense variant.
Genome position (GRCh38, 1-based): chr17:80,108,790, G>A. VCF-style: chr17-80108790-G-A. GRCh37 (hg19) VCF-style: chr17-78082589-G-A.
Other names: c.1288G>A (LRG_673t1); c.1288G>A, p.Glu430Lys (NM_001079803.3, NM_001079804.3); short protein forms E430K.
Identifiers: ClinVar variation 501777 (VCV000501777.19), dbSNP rs375433002, ClinGen allele CA8815251.

ClinVar aggregate classification (germline): Uncertain significance. Review status: reviewed by expert panel (3 of 4 stars). 7 submissions from 7 submitters: Uncertain significance (1). 6 of the submissions do not count toward it. Last evaluated 2023-04-06.

Conditions:
Glycogen storage disease, type II (IOPD). Also called: Glycogen storage disease type 2; Acid maltase deficiency disease; Aglucosidase alfa; Deficiency of alpha-glucosidase; Deficiency of lysosomal alpha-glucosidase; CARDIOMEGALIA GLYCOGENICA DIFFUSA. Identifiers: Orphanet 365, MedGen C0017921, MONDO:0009290, OMIM 232300.

Allele frequency attached by ClinVar (database versions not stated): gnomAD exomes 0.00003 and 0.00001; ExAC 0.00006; gnomAD 0.00012 and 0.00011; TOPMed 0.00016; ESP Exome Variant Server 0.00008; 1000 Genomes Project 30x 0.00031; 1000 Genomes Project 0.00040.
gnomAD v4.1: 26 of 1,607,338 alleles (0.0016%); highest among the groups gnomAD compares: African/African-American, 0.029%; no homozygotes.

Submissions (7):

ClinGen Lysosomal Storage Disorder Variant Curation Expert Panel
Classification: Uncertain significance for Glycogen storage disease, type II. Last evaluated: 2023-04-06. Review status: reviewed by expert panel. Criteria: clingen_lsd_acmg_specifications_v2-1. Collection method: curation. Allele origin: germline. Inheritance: Autosomal recessive inheritance.
Comment: The NM_000152.5:c.1288G>A (p.Glu430Lys) variant in GAA has a highest population minor allele frequency in gnomAD v2.1.1 of 0.00043 (10/23086 alleles) in the African population, which is lower than the ClinGen Lysosomal Diseases VCEP’s threshold for PM2_Supporting (<0.001), meeting this criterion (PM2_Supporting). The computational predictor REVEL gives a score of 0.577 which is neither above nor below the thresholds predicting a damaging (>0.7) or benign (<0.5) impact on GAA function. SpliceAI predicts no impact on splicing. To our knowledge, this variant has not been reported in the literature in individuals with Pompe disease, and the results of functional studies are not available. However, there is a ClinVar entry for this variant (Variation ID: 501777). In summary, this variant meets the criteria to be classified as a variant of uncertain significance for Pompe disease. GAA-specific ACMG/AMP criteria applied, as specified by the ClinGen Lysosomal Diseases VCEP (Specifications Version 2.0): PM2_Supporting. (Classification approved by the ClinGen Lysosomal Diseases Variant Curation Expert Panel, April 6, 2023)

Genomenon, Inc
Classification: Uncertain significance for Glycogen storage disease, type II. Last evaluated: 2026-07-01. Review status: criteria provided, single submitter. Criteria: Genomenon Sequence Variant Interpretation Standards - Updated. Collection method: curation. Allele origin: germline. Affected: no. Not counted in ClinVar's aggregate classification.
Comment: GAA p.Glu430Lys (c.1288G>A) is a missense variant that changes the amino acid at codon 430 from Glutamic acid to Lysine. This variant has been reported in the published literature (PMID:39161458;30281819). It is absent or not present at a significant frequency in gnomAD. In conclusion, we classify GAA p.Glu430Lys (c.1288G>A) as a variant of uncertain significance.

Revvity Omics, Revvity
Classification: Uncertain significance. Last evaluated: 2025-03-19. Review status: criteria provided, single submitter. Criteria: ACMG Guidelines, 2015. Collection method: clinical testing. Allele origin: germline. Not counted in ClinVar's aggregate classification.

Labcorp Genetics (formerly Invitae), Labcorp
Classification: Uncertain significance for Glycogen storage disease, type II. Last evaluated: 2022-08-20. Review status: criteria provided, single submitter. Criteria: Invitae Variant Classification Sherloc (09022015). Collection method: clinical testing. Allele origin: germline. Not counted in ClinVar's aggregate classification.
Comment: This sequence change replaces glutamic acid, which is acidic and polar, with lysine, which is basic and polar, at codon 430 of the GAA protein (p.Glu430Lys). This variant is present in population databases (rs375433002, gnomAD 0.04%). This variant has not been reported in the literature in individuals affected with GAA-related conditions. ClinVar contains an entry for this variant (Variation ID: 501777). Advanced modeling of protein sequence and biophysical properties (such as structural, functional, and spatial information, amino acid conservation, physicochemical variation, residue mobility, and thermodynamic stability) performed at Invitae indicates that this missense variant is not expected to disrupt GAA protein function. In summary, the available evidence is currently insufficient to determine the role of this variant in disease. Therefore, it has been classified as a Variant of Uncertain Significance.

Fulgent Genetics
Classification: Uncertain significance for Glycogen storage disease, type II. Last evaluated: 2021-09-07. Review status: criteria provided, single submitter. Criteria: ACMG Guidelines, 2015. Collection method: clinical testing. Allele origin: unknown. Not counted in ClinVar's aggregate classification.

Eurofins Ntd Llc (ga)
Classification: Uncertain significance. Last evaluated: 2017-05-02. Review status: criteria provided, single submitter. Criteria: EGL Classification Definitions 2015. Collection method: clinical testing. Allele origin: germline. Observed: 1 variant allele, 1 heterozygote. Not counted in ClinVar's aggregate classification.

Natera, Inc.
Classification: Uncertain significance for Glycogen storage disease type II. Last evaluated: 2021-01-06. Review status: no assertion criteria provided. Collection method: clinical testing. Allele origin: germline. Not counted in ClinVar's aggregate classification.

Literature cited by the submitters: PubMed 39161458 (cited by Genomenon, Inc); PubMed 30281819 (cited by Genomenon, Inc).